The following is an entry in ClinVar:

NM_007347.5(AP4E1):c.542+11T>G

Gene: AP4E1 (adaptor related protein complex 4 subunit epsilon 1; plus strand). Cytogenetic location: 15q21.2.
Variant type: single nucleotide variant.
Coding change: c.542+11T>G on transcript NM_007347.5 (MANE Select); 11 bases into the intron after coding-DNA position 542, T replaced by G.
Molecular consequence: intron variant.
Genome position (GRCh38, 1-based): chr15:50,925,230, T>G. VCF-style: chr15-50925230-T-G. GRCh37 (hg19) VCF-style: chr15-51217427-T-G.
Other names: c.317+11T>G (NM_001252127.2).
Identifiers: ClinVar variation 680002 (VCV000680002.11), dbSNP rs58882998, ClinGen allele CA7558793.

ClinVar aggregate classification (germline): Benign/Likely benign. Review status: criteria provided, multiple submitters, no conflicts (2 of 4 stars). 5 submissions from 4 submitters: Benign (4); Likely benign (1). Last evaluated 2026-01-20.

Conditions:
Spastic paraplegia. Identifiers: MedGen C0037772, HP:0001258.
Stuttering, familial persistent, 1. Also called: STAMMERING. Identifiers: MedGen C3489627, MONDO:0008483, OMIM 184450.
Hereditary spastic paraplegia 51. Also called: Spastic paraplegia 51, autosomal recessive; CEREBRAL PALSY, SPASTIC QUADRIPLEGIC, 4. Identifiers: Orphanet 280763, MedGen C3151056, MONDO:0013401, OMIM 613744.

Allele frequency attached by ClinVar (database versions not stated): gnomAD exomes 0.00187; ExAC 0.00253; gnomAD 0.00715 and 0.00762; TOPMed 0.00799; 1000 Genomes Project 0.00839; 1000 Genomes Project 30x 0.00859; ESP Exome Variant Server 0.00886.
gnomAD v4.1: 2,078 of 1,611,448 alleles (0.13%); highest among the groups gnomAD compares: African/African-American, 2.5%; 38 homozygotes.

Submissions (5):

Labcorp Genetics (formerly Invitae), Labcorp
Classification: Benign for Spastic paraplegia. Last evaluated: 2026-01-20. Review status: criteria provided, single submitter. Criteria: Invitae Variant Classification Sherloc (09022015). Collection method: clinical testing. Allele origin: germline.

Genome-Nilou Lab
Classification: Benign for Hereditary spastic paraplegia 51. Last evaluated: 2021-12-05. Review status: criteria provided, single submitter. Criteria: ACMG Guidelines, 2015. Collection method: clinical testing. Allele origin: germline. Affected: no.

Genome-Nilou Lab
Classification: Benign for Stuttering, familial persistent, 1. Last evaluated: 2021-12-05. Review status: criteria provided, single submitter. Criteria: ACMG Guidelines, 2015. Collection method: clinical testing. Allele origin: germline. Affected: no.

Fulgent Genetics
Classification: Likely benign for Stuttering, familial persistent, 1; Hereditary spastic paraplegia 51. Last evaluated: 2021-09-13. Review status: criteria provided, single submitter. Criteria: ACMG Guidelines, 2015. Collection method: clinical testing. Allele origin: unknown.

GeneDx
Classification: Benign. Last evaluated: 2018-03-20. Review status: criteria provided, single submitter. Criteria: GeneDx Variant Classification (06012015). Collection method: clinical testing. Allele origin: germline. Affected: yes.
Comment: This variant is considered likely benign or benign based on one or more of the following criteria: it is a conservative change, it occurs at a poorly conserved position in the protein, it is predicted to be benign by multiple in silico algorithms, and/or has population frequency not consistent with disease.